The following is an entry in ClinVar:

ClinVar aggregate classification (germline): Uncertain significance. Review status: criteria provided, multiple submitters, no conflicts (2 of 4 stars). 2 submissions from 2 submitters: Uncertain significance (2). Last evaluated 2025-04-07.

Conditions:
Inborn genetic diseases. Identifiers: MedGen C0950123, MeSH D030342.
Acrocallosal syndrome (ACLS). Also called: HALLUX DUPLICATION, POSTAXIAL POLYDACTYLY, AND ABSENCE OF CORPUS CALLOSUM; Schinzel syndrome 1; Absence of corpus callosum with unusual facial appearance, mental deficiency, duplication of the halluces and polydactyly. Identifiers: Orphanet 36, MedGen C0796147, MONDO:0008708, OMIM 200990.

Allele frequency attached by ClinVar (database versions not stated): ExAC 0.00002; gnomAD exomes 0.00002; TOPMed 0.00002; gnomAD 0.00007.
gnomAD v4.1: 39 of 1,607,950 alleles (0.0024%); highest among the groups gnomAD compares: East Asian, 0.018%; no homozygotes.

Submissions (2):

Ambry Genetics
Classification: Uncertain significance for Inborn genetic diseases. Last evaluated: 2025-04-07. Review status: criteria provided, single submitter. Criteria: Ambry Variant Classification Scheme 2023. Collection method: clinical testing. Allele origin: germline.

Labcorp Genetics (formerly Invitae), Labcorp
Classification: Uncertain significance for Acrocallosal syndrome. Last evaluated: 2022-06-25. Review status: criteria provided, single submitter. Criteria: Invitae Variant Classification Sherloc (09022015). Collection method: clinical testing. Allele origin: germline.
Comment: This sequence change replaces arginine, which is basic and polar, with cysteine, which is neutral and slightly polar, at codon 729 of the KIF7 protein (p.Arg729Cys). This variant is present in population databases (rs763584371, gnomAD 0.02%). This variant has not been reported in the literature in individuals affected with KIF7-related conditions. Algorithms developed to predict the effect of missense changes on protein structure and function output the following: SIFT: "Deleterious"; PolyPhen-2: "Benign"; Align-GVGD: "Class C0". The cysteine amino acid residue is found in multiple mammalian species, which suggests that this missense change does not adversely affect protein function. In summary, the available evidence is currently insufficient to determine the role of this variant in disease. Therefore, it has been classified as a Variant of Uncertain Significance.

NM_198525.3(KIF7):c.2185C>T (p.Arg729Cys)

Gene: KIF7 (kinesin family member 7; minus strand). Cytogenetic location: 15q26.1.
Variant type: single nucleotide variant.
Coding change: c.2185C>T on transcript NM_198525.3 (MANE Select); coding-DNA position 2185, C replaced by T.
Protein change: p.Arg729Cys; replaces arginine 729 with cysteine.
Molecular consequence: missense variant.
Genome position (GRCh38, 1-based): chr15:89,645,019, G>A on the plus strand (C>T on the coding strand, the complement: KIF7 is on the minus strand). VCF-style: chr15-89645019-G-A. GRCh37 (hg19) VCF-style: chr15-90188250-G-A.
Other names: c.2185C>T (NM_198525.2); short protein forms R729C.
Identifiers: ClinVar variation 1971371 (VCV001971371.3), dbSNP rs763584371, ClinGen allele CA7728299.